The following is an entry in ClinVar:

NM_001110354.2(ZP3):c.1038T>G (p.Ser346=)

Gene: ZP3 (zona pellucida glycoprotein 3; plus strand). Cytogenetic location: 7q11.23.
Variant type: single nucleotide variant.
Coding change: c.1038T>G on transcript NM_001110354.2 (MANE Select); coding-DNA position 1038, T replaced by G.
Protein change: p.Ser346=; no amino-acid change (serine 346 retained).
Molecular consequence: synonymous variant.
Genome position (GRCh38, 1-based): chr7:76,440,589, T>G. VCF-style: chr7-76440589-T-G. GRCh37 (hg19) VCF-style: chr7-76069906-T-G.
Other names: c.885T>G, p.Ser295= (NM_007155.6).
Identifiers: ClinVar variation 3905227 (VCV003905227.10).
Genomic context (GRCh38, chr7:76,440,589, plus strand): 5'-CTGTGGCACTCCAAGCCATTCCAGGAGGCAGCCTCATGTCATGAGCCAGTGGTCCAGGTC[T>G]GCTTCCCGTAACCGCAGGCATGGTATGTCACAGAATGGCCAAGAGGCTGTTCATTGTCCC-3'
Protein context (NP_001103824.1, residues 336-356): QPHVMSQWSR[Ser346=]ASRNRRHVTE

ClinVar aggregate classification (germline): Likely benign (1 of 4 stars; one submission).

gnomAD v4.1: 674 of 1,613,406 alleles (0.042%); highest among the groups gnomAD compares: Admixed American, 0.16%; 2 homozygotes.

Submission:

CeGaT Center for Human Genetics Tuebingen
Classification: Likely benign. Last evaluated: 2026-04-01. Review status: criteria provided, single submitter. Criteria: CeGaT Center For Human Genetics Tuebingen Variant Classification Criteria Version 2. Collection method: clinical testing. Allele origin: germline. Affected: yes. Observed: 2 variant alleles.
Comment: ZP3: BP4, BP7